The following is an entry in ClinVar:

NM_001358351.3(SEMA6D):c.3046C>T (p.Pro1016Ser)

Gene: SEMA6D (semaphorin 6D; plus strand). Cytogenetic location: 15q21.1.
Variant type: single nucleotide variant.
Coding change: c.3046C>T on transcript NM_001358351.3 (MANE Select); coding-DNA position 3046, C replaced by T.
Protein change: p.Pro1016Ser; replaces proline 1016 with serine.
Molecular consequence: missense variant. On other transcripts: 3 prime UTR variant (1).
Genome position (GRCh38, 1-based): chr15:47,771,609, C>T. VCF-style: chr15-47771609-C-T. GRCh37 (hg19) VCF-style: chr15-48063806-C-T.
Other names: c.2860C>T, p.Pro954Ser (NM_001198999.2, NM_020858.2); c.3085C>T, p.Pro1029Ser (NM_001358352.2); c.2821C>T, p.Pro941Ser (NM_153616.2); c.2878C>T, p.Pro960Ser (NM_153617.2); c.3046C>T, p.Pro1016Ser (NM_153618.2); c.*1062C>T (NM_153619.1); short protein forms P941S, P954S, P960S, P1016S, P1029S.
Identifiers: ClinVar variation 3053312 (VCV003053312.2), dbSNP rs34884840, ClinGen allele CA7545677.

ClinVar aggregate classification (germline): Likely benign (0 of 4 stars; one submission).

Conditions:
SEMA6D-related disorder. Also called: SEMA6D-related condition.

Allele frequency attached by ClinVar (database versions not stated): ExAC 0.00037; 1000 Genomes Project 0.00100; 1000 Genomes Project 30x 0.00109; gnomAD 0.00110; ESP Exome Variant Server 0.00131; TOPMed 0.00139.
gnomAD v4.1: 302 of 1,614,064 alleles (0.019%); highest among the groups gnomAD compares: African/African-American, 0.35%; no homozygotes.

Submission:

PreventionGenetics, part of Exact Sciences
Classification: Likely benign for SEMA6D-related condition. Last evaluated: 2022-07-25. Review status: no assertion criteria provided. Collection method: clinical testing. Allele origin: germline.
Comment: This variant is classified as likely benign based on ACMG/AMP sequence variant interpretation guidelines (Richards et al. 2015 PMID: 25741868, with internal and published modifications).